The following is an entry in ClinVar:

ClinVar aggregate classification (germline): Uncertain significance (1 of 4 stars; one submission).

Submission:

Labcorp Genetics (formerly Invitae), Labcorp
Classification: Uncertain significance. Last evaluated: 2025-02-16. Review status: criteria provided, single submitter. Criteria: Invitae Variant Classification Sherloc (09022015). Collection method: clinical testing. Allele origin: germline.
Comment: This sequence change replaces isoleucine, which is neutral and non-polar, with valine, which is neutral and non-polar, at codon 1051 of the DUOX2 protein (p.Ile1051Val). This variant is not present in population databases (gnomAD no frequency). This variant has not been reported in the literature in individuals affected with DUOX2-related conditions. Invitae Evidence Modeling of protein sequence and biophysical properties (such as structural, functional, and spatial information, amino acid conservation, physicochemical variation, residue mobility, and thermodynamic stability) indicates that this missense variant is not expected to disrupt DUOX2 protein function with a negative predictive value of 80%. In summary, the available evidence is currently insufficient to determine the role of this variant in disease. Therefore, it has been classified as a Variant of Uncertain Significance.

NM_001363711.2(DUOX2):c.3151A>G (p.Ile1051Val)

Gene: DUOX2 (dual oxidase 2; minus strand). Cytogenetic location: 15q21.1.
Variant type: single nucleotide variant.
Coding change: c.3151A>G on transcript NM_001363711.2 (MANE Select); coding-DNA position 3151, A replaced by G.
Protein change: p.Ile1051Val; replaces isoleucine 1051 with valine.
Molecular consequence: missense variant.
Genome position (GRCh38, 1-based): chr15:45,100,083, T>C on the plus strand (A>G on the coding strand, the complement: DUOX2 is on the minus strand). VCF-style: chr15-45100083-T-C. GRCh37 (hg19) VCF-style: chr15-45392281-T-C.
Other names: c.3151A>G, p.Ile1051Val (NM_014080.5); short protein forms I1051V.
Identifiers: ClinVar variation 4691909 (VCV004691909.1).
Genomic context (GRCh38, chr15:45,100,083, plus strand): 5'-CCACTGCCCACAGCCTGGAACTCTTACAGTAAGCACGATCTGCAAACACGCCAACACAGA[T>C]GGCCGAGAAGATTGCCACACACACGATGTGCCTCCGGTAGTTCTCCACGAAGCGCTTGTA-3'
Protein context (NP_001350640.1, residues 1041-1061): HIVCVAIFSA[Ile1051Val]CVGVFADRAY